The following is an entry in ClinVar:

NM_006904.7(PRKDC):c.10146C>A (p.Phe3382Leu)

Gene: PRKDC (protein kinase, DNA-activated, catalytic subunit; minus strand). Cytogenetic location: 8q11.21.
Variant type: single nucleotide variant.
Coding change: c.10146C>A on transcript NM_006904.7 (MANE Select); coding-DNA position 10146, C replaced by A.
Protein change: p.Phe3382Leu; replaces phenylalanine 3382 with leucine.
Molecular consequence: missense variant.
Genome position (GRCh38, 1-based): chr8:47,799,361, G>T on the plus strand (C>A on the coding strand, the complement: PRKDC is on the minus strand). VCF-style: chr8-47799361-G-T. GRCh37 (hg19) VCF-style: chr8-48711922-G-T.
Other names: c.10146C>A, p.Phe3382Leu (NM_001081640.2); short protein forms F3382L.
Identifiers: ClinVar variation 1383037 (VCV001383037.6), dbSNP rs1245646520, ClinGen allele CA371135463.

ClinVar aggregate classification (germline): Uncertain significance (1 of 4 stars; one submission).

Conditions:
Severe combined immunodeficiency due to DNA-PKcs deficiency. Also called: IMMUNODEFICIENCY 26 WITH NEUROLOGIC ABNORMALITIES; Immunodeficiency 26 with or without neurologic abnormalities. Identifiers: Orphanet 317425, MedGen C4014833, MONDO:0014423, OMIM 615966.

Submission:

Labcorp Genetics (formerly Invitae), Labcorp
Classification: Uncertain significance for Severe combined immunodeficiency due to DNA-PKcs deficiency. Last evaluated: 2022-08-31. Review status: criteria provided, single submitter. Criteria: Invitae Variant Classification Sherloc (09022015). Collection method: clinical testing. Allele origin: germline.
Comment: This sequence change replaces phenylalanine with leucine at codon 3382 of the PRKDC protein (p.Phe3382Leu). The phenylalanine residue is moderately conserved and there is a small physicochemical difference between phenylalanine and leucine. This variant is not present in population databases (gnomAD no frequency). This variant has not been reported in the literature in individuals affected with PRKDC-related conditions. ClinVar contains an entry for this variant (Variation ID: 1383037). In summary, the available evidence is currently insufficient to determine the role of this variant in disease. Therefore, it has been classified as a Variant of Uncertain Significance.